The following is an entry in ClinVar:

NM_004204.5(PIGQ):c.68G>A (p.Trp23Ter)

Gene: PIGQ (phosphatidylinositol glycan anchor biosynthesis class Q; plus strand). Cytogenetic location: 16p13.3.
Variant type: single nucleotide variant.
Coding change: c.68G>A on transcript NM_004204.5 (MANE Select); coding-DNA position 68, G replaced by A.
Protein change: p.Trp23Ter; replaces tryptophan 23 with a stop codon.
Molecular consequence: nonsense.
Genome position (GRCh38, 1-based): chr16:574,142, G>A. VCF-style: chr16-574142-G-A. GRCh37 (hg19) VCF-style: chr16-624142-G-A.
Other names: c.68G>A, p.Trp23Ter (NM_148920.4); short protein forms W23*.
Identifiers: ClinVar variation 1992066 (VCV001992066.4), dbSNP rs750315914, ClinGen allele CA7779774.
Genomic context (GRCh38, chr16:574,142, plus strand): 5'-TCAAGGCCTTCTTCCCCACGTGCTGCGTCTCGACGGACAGCGGGCTGCTGGTGGGACGGT[G>A]GGTGCCGGAGCAGAGCAGCGCCGTGGTCCTGGCGGTCCTGCACTTTCCCTTCATCCCCAT-3'

ClinVar aggregate classification (germline): Pathogenic (1 of 4 stars; one submission).

Conditions:
Epilepsy. Also called: Seizure disorder. Identifiers: MedGen C0014544, MeSH D004827, MONDO:0005027.

Allele frequency attached by ClinVar (database versions not stated): gnomAD exomes below 0.00001; gnomAD 0.00001; TOPMed 0.00001; ExAC 0.00002.
gnomAD v4.1: 7 of 1,612,032 alleles (0.00043%); highest among the groups gnomAD compares: East Asian, 0.016%; no homozygotes.

Submission:

Labcorp Genetics (formerly Invitae), Labcorp
Classification: Pathogenic for Epilepsy. Last evaluated: 2022-10-08. Review status: criteria provided, single submitter. Criteria: Invitae Variant Classification Sherloc (09022015). Collection method: clinical testing. Allele origin: germline.
Comment: This variant is present in population databases (rs750315914, gnomAD 0.02%). This sequence change creates a premature translational stop signal (p.Trp23*) in the PIGQ gene. It is expected to result in an absent or disrupted protein product. Loss-of-function variants in PIGQ are known to be pathogenic (PMID: 24463883, 25558065). This variant has not been reported in the literature in individuals affected with PIGQ-related conditions. Algorithms developed to predict the effect of sequence changes on RNA splicing suggest that this variant may create or strengthen a splice site. For these reasons, this variant has been classified as Pathogenic.

Literature cited by the submitters: PubMed 24463883; PubMed 25558065.